The following is an entry in ClinVar:

NM_052867.4(NALCN):c.2333G>A (p.Arg778Lys)

Gene: NALCN (sodium leak channel, non-selective; minus strand). Cytogenetic location: 13q33.1.
Variant type: single nucleotide variant.
Coding change: c.2333G>A on transcript NM_052867.4 (MANE Select); coding-DNA position 2333, G replaced by A.
Protein change: p.Arg778Lys; replaces arginine 778 with lysine.
Molecular consequence: missense variant.
Genome position (GRCh38, 1-based): chr13:101,110,650, C>T on the plus strand (G>A on the coding strand, the complement: NALCN is on the minus strand). VCF-style: chr13-101110650-C-T. GRCh37 (hg19) VCF-style: chr13-101763001-C-T.
Other names: c.2420G>A, p.Arg807Lys (NM_001350748.2); c.2333G>A, p.Arg778Lys (NM_001350749.2); c.2246G>A, p.Arg749Lys (NM_001350750.2, NM_001350751.2); c.2333G>A (NM_052867.2); short protein forms R749K, R778K, R807K.
Identifiers: ClinVar variation 2097857 (VCV002097857.6), dbSNP rs761526217, ClinGen allele CA7035745.

ClinVar aggregate classification (germline): Uncertain significance. Review status: criteria provided, multiple submitters, no conflicts (2 of 4 stars). 3 submissions from 3 submitters: Uncertain significance (3). Last evaluated 2025-08-31.

Conditions:
Inborn genetic diseases. Identifiers: MedGen C0950123, MeSH D030342.

Allele frequency attached by ClinVar (database versions not stated): gnomAD exomes below 0.00001; TOPMed below 0.00001; ExAC 0.00001.
gnomAD v4.1: 1 of 1,614,064 alleles (0.000062%); highest among the groups gnomAD compares: Non-Finnish European, 0.000085%; no homozygotes.

Submissions (3):

Ambry Genetics
Classification: Uncertain significance for Inborn genetic diseases. Last evaluated: 2025-08-31. Review status: criteria provided, single submitter. Criteria: Ambry Variant Classification Scheme 2023. Collection method: clinical testing. Allele origin: germline.

Women's Health and Genetics/Laboratory Corporation of America, LabCorp
Classification: Uncertain significance. Last evaluated: 2024-10-07. Review status: criteria provided, single submitter. Criteria: LabCorp Variant Classification Summary - May 2015. Collection method: clinical testing. Allele origin: germline.
Comment: Variant summary: NALCN c.2333G>A (p.Arg778Lys) results in a conservative amino acid change in the encoded protein sequence. Three of five in-silico tools predict a benign effect of the variant on protein function. The variant allele was found at a frequency of 6.2e-07 in 1607090 control chromosomes in the gnomAD database (v4.1 dataset). The available data on variant occurrences in the general population are insufficient to allow any conclusion about variant significance. To our knowledge, no occurrence of c.2333G>A in individuals affected with Congenital Contractures Of The Limbs And Face, Hypotonia, And Developmental Delay and no experimental evidence demonstrating its impact on protein function have been reported. ClinVar contains an entry for this variant (Variation ID: 2097857). Based on the evidence outlined above, the variant was classified as uncertain significance.

Labcorp Genetics (formerly Invitae), Labcorp
Classification: Uncertain significance. Last evaluated: 2022-05-21. Review status: criteria provided, single submitter. Criteria: Invitae Variant Classification Sherloc (09022015). Collection method: clinical testing. Allele origin: germline.
Comment: In summary, the available evidence is currently insufficient to determine the role of this variant in disease. Therefore, it has been classified as a Variant of Uncertain Significance. Advanced modeling of protein sequence and biophysical properties (such as structural, functional, and spatial information, amino acid conservation, physicochemical variation, residue mobility, and thermodynamic stability) performed at Invitae indicates that this missense variant is not expected to disrupt NALCN protein function. This variant has not been reported in the literature in individuals affected with NALCN-related conditions. This variant is present in population databases (rs761526217, gnomAD 0.0009%). This sequence change replaces arginine, which is basic and polar, with lysine, which is basic and polar, at codon 778 of the NALCN protein (p.Arg778Lys).